The following is an entry in ClinVar:

NM_014264.5(PLK4):c.1381A>G (p.Lys461Glu)

Gene: PLK4 (polo like kinase 4; plus strand). Cytogenetic location: 4q28.1.
Variant type: single nucleotide variant.
Coding change: c.1381A>G on transcript NM_014264.5 (MANE Select); coding-DNA position 1381, A replaced by G.
Protein change: p.Lys461Glu; replaces lysine 461 with glutamic acid.
Molecular consequence: missense variant.
Genome position (GRCh38, 1-based): chr4:127,887,418, A>G. VCF-style: chr4-127887418-A-G. GRCh37 (hg19) VCF-style: chr4-128808573-A-G.
Other names: c.1285A>G, p.Lys429Glu (NM_001190799.2); c.1258A>G, p.Lys420Glu (NM_001190801.2); short protein forms K429E, K420E, K461E.
Identifiers: ClinVar variation 840017 (VCV000840017.6), dbSNP rs1213637343, ClinGen allele CA358154782.

ClinVar aggregate classification (germline): Uncertain significance (1 of 4 stars; one submission).

Allele frequency attached by ClinVar (database versions not stated): gnomAD exomes below 0.00001; TOPMed below 0.00001.
gnomAD v4.1: 1 of 1,610,298 alleles (0.000062%); highest among the groups gnomAD compares: African/African-American, 0.0013%; no homozygotes.

Submission:

Labcorp Genetics (formerly Invitae), Labcorp
Classification: Uncertain significance. Last evaluated: 2019-12-20. Review status: criteria provided, single submitter. Criteria: Invitae Variant Classification Sherloc (09022015). Collection method: clinical testing. Allele origin: germline.
Comment: This variant has not been reported in the literature in individuals with PLK4-related conditions. Algorithms developed to predict the effect of missense changes on protein structure and function (SIFT, PolyPhen-2, Align-GVGD) all suggest that this variant is likely to be tolerated, but these predictions have not been confirmed by published functional studies and their clinical significance is uncertain. This variant is not present in population databases (ExAC no frequency). In summary, the available evidence is currently insufficient to determine the role of this variant in disease. Therefore, it has been classified as a Variant of Uncertain Significance. This sequence change replaces lysine with glutamic acid at codon 461 of the PLK4 protein (p.Lys461Glu). The lysine residue is moderately conserved and there is a small physicochemical difference between lysine and glutamic acid.